The following is an entry in ClinVar:

NM_001368809.2(AMPD2):c.134G>A (p.Arg45Gln)

Gene: AMPD2 (adenosine monophosphate deaminase 2; plus strand). Cytogenetic location: 1p13.3.
Variant type: single nucleotide variant.
Coding change: c.134G>A on transcript NM_001368809.2 (MANE Select); coding-DNA position 134, G replaced by A.
Protein change: p.Arg45Gln; replaces arginine 45 with glutamine.
Molecular consequence: missense variant. On other transcripts: 5 prime UTR variant (1), intron variant (1).
Genome position (GRCh38, 1-based): chr1:109,625,345, G>A. VCF-style: chr1-109625345-G-A. GRCh37 (hg19) VCF-style: chr1-110167967-G-A.
Other names: c.296G>A (NM_001257360.1); c.-59G>A (NM_001257361.2); c.134G>A, p.Arg45Gln (NM_004037.9); c.53G>A, p.Arg18Gln (NM_139156.4); c.160-317G>A (NM_001308170.1); short protein forms R18Q, R45Q.
Identifiers: ClinVar variation 940457 (VCV000940457.3), dbSNP rs771577116, ClinGen allele CA992682.

ClinVar aggregate classification (germline): Uncertain significance (1 of 4 stars; one submission).

Conditions:
Pontocerebellar hypoplasia type 9. Identifiers: Orphanet 369920, MedGen C4014354, MONDO:0014351, OMIM 615809.
Hereditary spastic paraplegia 63. Also called: Spastic paraplegia 63, autosomal recessive. Identifiers: Orphanet 401805, MedGen C3810295, MONDO:0014305, OMIM 615686.

Allele frequency attached by ClinVar (database versions not stated): ExAC 0.00001; gnomAD exomes 0.00001; TOPMed 0.00001.
gnomAD v4.1: 26 of 1,613,386 alleles (0.0016%); highest among the groups gnomAD compares: East Asian, 0.047%; 1 homozygote.

Submission:

Labcorp Genetics (formerly Invitae), Labcorp
Classification: Uncertain significance for Pontocerebellar hypoplasia type 9; Hereditary spastic paraplegia 63. Last evaluated: 2024-07-03. Review status: criteria provided, single submitter. Criteria: Invitae Variant Classification Sherloc (09022015). Collection method: clinical testing. Allele origin: germline.
Comment: This sequence change replaces arginine, which is basic and polar, with glutamine, which is neutral and polar, at codon 99 of the AMPD2 protein (p.Arg99Gln). This variant is present in population databases (rs771577116, gnomAD 0.006%). This variant has not been reported in the literature in individuals affected with AMPD2-related conditions. ClinVar contains an entry for this variant (Variation ID: 940457). An algorithm developed to predict the effect of missense changes on protein structure and function (PolyPhen-2) suggests that this variant is likely to be tolerated. In summary, the available evidence is currently insufficient to determine the role of this variant in disease. Therefore, it has been classified as a Variant of Uncertain Significance.